The following is an entry in ClinVar:

NM_015295.3(SMCHD1):c.2224A>G (p.Lys742Glu)

Gene: SMCHD1 (structural maintenance of chromosomes flexible hinge domain containing 1; plus strand). Cytogenetic location: 18p11.32.
Variant type: single nucleotide variant.
Coding change: c.2224A>G on transcript NM_015295.3 (MANE Select); coding-DNA position 2224, A replaced by G.
Protein change: p.Lys742Glu; replaces lysine 742 with glutamic acid.
Molecular consequence: missense variant.
Genome position (GRCh38, 1-based): chr18:2,707,884, A>G. VCF-style: chr18-2707884-A-G. GRCh37 (hg19) VCF-style: chr18-2707882-A-G.
Other names: short protein forms K742E.
Identifiers: ClinVar variation 4528181 (VCV004528181.1).

ClinVar aggregate classification (germline): Uncertain significance (1 of 4 stars; one submission).

Submission:

GeneDx
Classification: Uncertain significance. Last evaluated: 2025-05-07. Review status: criteria provided, single submitter. Criteria: GeneDx Variant Classification Process June 2021. Collection method: clinical testing. Allele origin: germline. Affected: yes.
Comment: Not observed at significant frequency in large population cohorts (gnomAD); In silico analysis suggests that this missense variant does not alter protein structure/function; Has not been previously published as pathogenic or benign to our knowledge